The following is an entry in ClinVar:

ClinVar aggregate classification (germline): Uncertain significance. Review status: criteria provided, multiple submitters, no conflicts (2 of 4 stars). 3 submissions from 3 submitters: Uncertain significance (3). Last evaluated 2024-12-09.

Conditions:
Marfan syndrome (MFS). Also called: Marfan's syndrome; Marfan syndrome, classic; MARFAN SYNDROME, TYPE I; Marfan syndrome type 1; FBN1-Related Marfan Syndrome. Identifiers: Orphanet 284963, Orphanet 558, MedGen C0024796, MONDO:0007947, OMIM 154700.
Familial thoracic aortic aneurysm and aortic dissection (TAAD). Also called: Thoracic aortic aneurysms and dissections. Identifiers: Orphanet 91387, MedGen C4707243, MONDO:0019625.

gnomAD v4.1: 4 of 1,614,030 alleles (0.00025%); highest among the groups gnomAD compares: Non-Finnish European, 0.00034%; no homozygotes.

Submissions (3):

Labcorp Genetics (formerly Invitae), Labcorp
Classification: Uncertain significance for Marfan syndrome; Familial thoracic aortic aneurysm and aortic dissection. Last evaluated: 2024-12-09. Review status: criteria provided, single submitter. Criteria: Invitae Variant Classification Sherloc (09022015). Collection method: clinical testing. Allele origin: germline.
Comment: This sequence change replaces arginine, which is basic and polar, with leucine, which is neutral and non-polar, at codon 240 of the FBN1 protein (p.Arg240Leu). This variant is present in population databases (no rsID available, gnomAD 0.007%). This variant has not been reported in the literature in individuals affected with FBN1-related conditions. ClinVar contains an entry for this variant (Variation ID: 1757628). Invitae Evidence Modeling of protein sequence and biophysical properties (such as structural, functional, and spatial information, amino acid conservation, physicochemical variation, residue mobility, and thermodynamic stability) indicates that this missense variant is expected to disrupt FBN1 protein function with a positive predictive value of 80%. This variant disrupts the p.Arg240 amino acid residue in FBN1. Other variant(s) that disrupt this residue have been determined to be pathogenic (PMID: 11700157, 11826022, 15054843, 17657824, 18079676, 19293843, 20564469). This suggests that this residue is clinically significant, and that variants that disrupt this residue are likely to be disease-causing. In summary, the available evidence is currently insufficient to determine the role of this variant in disease. Therefore, it has been classified as a Variant of Uncertain Significance.

Color Diagnostics, LLC DBA Color Health
Classification: Uncertain significance for Familial thoracic aortic aneurysm and aortic dissection. Last evaluated: 2024-03-06. Review status: criteria provided, single submitter. Criteria: ACMG Guidelines, 2015. Collection method: clinical testing. Allele origin: germline.
Comment: This missense variant replaces arginine with leucine at codon 240 of the FBN1 protein. Computational prediction suggests that this variant may have deleterious impact on protein structure and function (internally defined REVEL score threshold >= 0.7, PMID: 27666373). To our knowledge, functional studies have not been reported for this variant. This variant has not been reported in individuals affected with cardiovascular disorders in the literature. This variant has been identified in 1/31406 chromosomes in the general population by the Genome Aggregation Database (gnomAD). The available evidence is insufficient to determine the role of this variant in disease conclusively. Therefore, this variant is classified as a Variant of Uncertain Significance.

Ambry Genetics
Classification: Uncertain significance for Familial thoracic aortic aneurysm and aortic dissection. Last evaluated: 2021-09-02. Review status: criteria provided, single submitter. Criteria: Ambry Variant Classification Scheme 2023. Collection method: clinical testing. Allele origin: germline.
Comment: The p.R240L variant (also known as c.719G>T), located in coding exon 6 of the FBN1 gene, results from a G to T substitution at nucleotide position 719. The arginine at codon 240 is replaced by leucine, an amino acid with dissimilar properties. This amino acid position is highly conserved in available vertebrate species. In addition, this alteration is predicted to be deleterious by in silico analysis. Since supporting evidence is limited at this time, the clinical significance of this alteration remains unclear.

Literature cited by the submitters: PubMed 11700157 (cited by Labcorp Genetics (formerly Invitae), Labcorp); PubMed 11826022 (cited by Labcorp Genetics (formerly Invitae), Labcorp); PubMed 15054843 (cited by Labcorp Genetics (formerly Invitae), Labcorp); PubMed 17657824 (cited by Labcorp Genetics (formerly Invitae), Labcorp); PubMed 18079676 (cited by Labcorp Genetics (formerly Invitae), Labcorp); PubMed 19293843 (cited by Labcorp Genetics (formerly Invitae), Labcorp); PubMed 20564469 (cited by Labcorp Genetics (formerly Invitae), Labcorp).

NM_000138.5(FBN1):c.719G>T (p.Arg240Leu)

Gene: FBN1 (fibrillin 1; minus strand). Cytogenetic location: 15q21.1.
Variant type: single nucleotide variant.
Coding change: c.719G>T on transcript NM_000138.5 (MANE Select); coding-DNA position 719, G replaced by T.
Protein change: p.Arg240Leu; replaces arginine 240 with leucine.
Molecular consequence: missense variant.
Genome position (GRCh38, 1-based): chr15:48,537,628, C>A on the plus strand (G>T on the coding strand, the complement: FBN1 is on the minus strand). VCF-style: chr15-48537628-C-A. GRCh37 (hg19) VCF-style: chr15-48829825-C-A.
Other names: c.719G>T, p.Arg240Leu (NM_001406716.1, NM_001406717.1); short protein forms R240L.
Identifiers: ClinVar variation 1757628 (VCV001757628.6), dbSNP rs768744583, ClinGen allele CA392445812.
Genomic context (GRCh38, chr15:48,537,628, plus strand): 5'-AAATAAGATTAATCCATTAATAATTCCATCAGCCCGGGTTTACCTTGACAAGCTCCCGTG[C>A]GGATATTTGGAATGAAGCCACGGCGGCAGGGGTGAGGCTGGGCAGGACACATCTCACAGG-3'
Protein context (NP_000129.3, residues 230-250): PCRRGFIPNI[Arg240Leu]TGACQDVDEC